The following is an entry in ClinVar:

ClinVar aggregate classification (germline): Uncertain significance (1 of 4 stars; one submission).

Allele frequency attached by ClinVar (database versions not stated): ExAC 0.00001.

Submission:

Labcorp Genetics (formerly Invitae), Labcorp
Classification: Uncertain significance. Last evaluated: 2022-10-03. Review status: criteria provided, single submitter. Criteria: Invitae Variant Classification Sherloc (09022015). Collection method: clinical testing. Allele origin: germline.
Comment: Algorithms developed to predict the effect of missense changes on protein structure and function are either unavailable or do not agree on the potential impact of this missense change (SIFT: "Deleterious"; PolyPhen-2: "Probably Damaging"; Align-GVGD: "Class C0"). In summary, the available evidence is currently insufficient to determine the role of this variant in disease. Therefore, it has been classified as a Variant of Uncertain Significance. This variant has not been reported in the literature in individuals affected with MAP3K8-related conditions. This variant is present in population databases (rs754271777, gnomAD 0.0009%). This sequence change replaces threonine, which is neutral and polar, with methionine, which is neutral and non-polar, at codon 160 of the MAP3K8 protein (p.Thr160Met).

NM_005204.4(MAP3K8):c.479C>T (p.Thr160Met)

Gene: MAP3K8 (mitogen-activated protein kinase kinase kinase 8; plus strand). Cytogenetic location: 10p11.23.
Variant type: single nucleotide variant.
Coding change: c.479C>T on transcript NM_005204.4 (MANE Select); coding-DNA position 479, C replaced by T.
Protein change: p.Thr160Met; replaces threonine 160 with methionine.
Molecular consequence: missense variant.
Genome position (GRCh38, 1-based): chr10:30,447,924, C>T. VCF-style: chr10-30447924-C-T. GRCh37 (hg19) VCF-style: chr10-30736853-C-T.
Other names: c.479C>T, p.Thr160Met (NM_001244134.1, NM_001320961.2); short protein forms T160M.
Identifiers: ClinVar variation 2032876 (VCV002032876.4), dbSNP rs754271777, ClinGen allele CA5459670.